The following is an entry in ClinVar:

NM_001184.4(ATR):c.829T>C (p.Leu277=)

Gene: ATR (ATR checkpoint kinase; minus strand). Cytogenetic location: 3q23.
Variant type: single nucleotide variant.
Coding change: c.829T>C on transcript NM_001184.4 (MANE Select); coding-DNA position 829, T replaced by C.
Protein change: p.Leu277=; no amino-acid change (leucine 277 retained).
Molecular consequence: synonymous variant.
Genome position (GRCh38, 1-based): chr3:142,562,573, A>G on the plus strand (T>C on the coding strand, the complement: ATR is on the minus strand). VCF-style: chr3-142562573-A-G. GRCh37 (hg19) VCF-style: chr3-142281415-A-G.
Other names: c.829T>C, p.Leu277= (NM_001354579.2).
Identifiers: ClinVar variation 1159423 (VCV001159423.19), dbSNP rs775530116, ClinGen allele CA2650720.

ClinVar aggregate classification (germline): Likely benign. Review status: criteria provided, multiple submitters, no conflicts (2 of 4 stars). 6 submissions from 5 submitters: Likely benign (6). Last evaluated 2025-03-01.

Conditions:
Familial cutaneous telangiectasia and oropharyngeal predisposition cancer syndrome. Identifiers: Orphanet 313846, MedGen C3281203, MONDO:0013806, OMIM 614564.
Seckel syndrome 1 (SCKL1). Also called: MICROCEPHALIC PRIMORDIAL DWARFISM I. Identifiers: Orphanet 808, MedGen C4551474, MONDO:0008869, OMIM 210600.
Inborn genetic diseases. Identifiers: MedGen C0950123, MeSH D030342.

Allele frequency attached by ClinVar (database versions not stated): gnomAD exomes 0.00001; ExAC 0.00002; TOPMed 0.00002.
gnomAD v4.1: 3 of 1,614,010 alleles (0.00019%); highest among the groups gnomAD compares: East Asian, 0.0045%; no homozygotes.

Submissions (6):

CeGaT Center for Human Genetics Tuebingen
Classification: Likely benign. Last evaluated: 2025-03-01. Review status: criteria provided, single submitter. Criteria: CeGaT Center For Human Genetics Tuebingen Variant Classification Criteria Version 2. Collection method: clinical testing. Allele origin: germline. Affected: yes. Observed: 1 variant allele.
Comment: ATR: BP4, BP7

Genome-Nilou Lab
Classification: Likely benign for Seckel syndrome 1. Last evaluated: 2023-02-08. Review status: criteria provided, single submitter. Criteria: ACMG Guidelines, 2015. Collection method: clinical testing. Allele origin: germline.

Genome-Nilou Lab
Classification: Likely benign for Familial cutaneous telangiectasia and oropharyngeal predisposition cancer syndrome. Last evaluated: 2023-02-08. Review status: criteria provided, single submitter. Criteria: ACMG Guidelines, 2015. Collection method: clinical testing. Allele origin: germline.

Ambry Genetics
Classification: Likely benign for Inborn genetic diseases. Last evaluated: 2022-09-26. Review status: criteria provided, single submitter. Criteria: Ambry Variant Classification Scheme 2023. Collection method: clinical testing. Allele origin: germline.

Blueprint Genetics
Classification: Likely benign. Last evaluated: 2021-12-13. Review status: criteria provided, single submitter. Criteria: ACMG Guidelines, 2015. Collection method: clinical testing. Allele origin: germline.

Labcorp Genetics (formerly Invitae), Labcorp
Classification: Likely benign. Last evaluated: 2020-09-09. Review status: criteria provided, single submitter. Criteria: Invitae Variant Classification Sherloc (09022015). Collection method: clinical testing. Allele origin: germline.